The following is an entry in ClinVar:

ClinVar aggregate classification (germline): Uncertain significance (1 of 4 stars; one submission).

Conditions:
Cardiovascular phenotype. Identifiers: MedGen CN230736.

Allele frequency attached by ClinVar (database versions not stated): gnomAD exomes below 0.00001; ExAC 0.00001.
gnomAD v4.1: 1 of 1,602,702 alleles (0.000062%); highest among the groups gnomAD compares: East Asian, 0.0022%; no homozygotes.

Submission:

Ambry Genetics
Classification: Uncertain significance for Cardiovascular phenotype. Last evaluated: 2024-03-08. Review status: criteria provided, single submitter. Criteria: Ambry Variant Classification Scheme 2023. Collection method: clinical testing. Allele origin: germline.
Comment: The p.K294R variant (also known as c.881A>G), located in coding exon 6 of the SCN10A gene, results from an A to G substitution at nucleotide position 881. The lysine at codon 294 is replaced by arginine, an amino acid with highly similar properties. This amino acid position is conserved. In addition, this alteration is predicted to be tolerated by in silico analysis. Based on the available evidence, the clinical significance of this alteration remains unclear.

NM_006514.4(SCN10A):c.881A>G (p.Lys294Arg)

Gene: SCN10A (sodium voltage-gated channel alpha subunit 10; minus strand). Cytogenetic location: 3p22.2.
Variant type: single nucleotide variant.
Coding change: c.881A>G on transcript NM_006514.4 (MANE Select); coding-DNA position 881, A replaced by G.
Protein change: p.Lys294Arg; replaces lysine 294 with arginine.
Molecular consequence: missense variant.
Genome position (GRCh38, 1-based): chr3:38,761,194, T>C on the plus strand (A>G on the coding strand, the complement: SCN10A is on the minus strand). VCF-style: chr3-38761194-T-C. GRCh37 (hg19) VCF-style: chr3-38802685-T-C.
Other names: c.881A>G, p.Lys294Arg (NM_001293306.2, NM_001293307.2); short protein forms K294R.
Identifiers: ClinVar variation 3225693 (VCV003225693.1), dbSNP rs750196811, ClinGen allele CA2321058.
Genomic context (GRCh38, chr3:38,761,194, plus strand): 5'-CTATATGATACCAAGGGTCCAACCAGACCTTGGTCCCTATGGAAGAGACTCCACTCACGT[T>C]TTCTGTGAGATGAGTAGTTGGTTGTCTCATTGACAGCCATGTCATTCTTGACACATTTAT-3'
Protein context (NP_006505.4, residues 284-304): NETTNYSSHR[Lys294Arg]PDIYINKRGT